The following is an entry in ClinVar:

NM_000538.4(RFXAP):c.150A>G (p.Gln50=)

Genes: RFXAP (regulatory factor X associated protein; plus strand), LOC130009573 (ATAC-STARR-seq lymphoblastoid silent region 5267; plus strand). Cytogenetic location: 13q13.3.
Variant type: single nucleotide variant.
Coding change: c.150A>G on transcript NM_000538.4 (MANE Select); coding-DNA position 150, A replaced by G.
Protein change: p.Gln50=; no amino-acid change (glutamine 50 retained).
Molecular consequence: synonymous variant.
Genome position (GRCh38, 1-based): chr13:36,819,507, A>G. VCF-style: chr13-36819507-A-G. GRCh37 (hg19) VCF-style: chr13-37393644-A-G.
Identifiers: ClinVar variation 1653571 (VCV001653571.16), dbSNP rs761195790, ClinGen allele CA6950177.

ClinVar aggregate classification (germline): Likely benign. Review status: criteria provided, multiple submitters, no conflicts (2 of 4 stars). 3 submissions from 3 submitters: Likely benign (3). Last evaluated 2026-01-16.

Conditions:
MHC class II deficiency. Also called: BLS, TYPE II; Bare lymphocyte syndrome 2. Identifiers: Orphanet 572, MedGen C5447452, MONDO:0008855.

Allele frequency attached by ClinVar (database versions not stated): gnomAD 0.00007; ExAC 0.00010.
gnomAD v4.1: 51 of 1,552,138 alleles (0.0033%); highest among the groups gnomAD compares: Middle Eastern, 0.017%; no homozygotes.

Submissions (3):

Labcorp Genetics (formerly Invitae), Labcorp
Classification: Likely benign for MHC class II deficiency. Last evaluated: 2026-01-16. Review status: criteria provided, single submitter. Criteria: Invitae Variant Classification Sherloc (09022015). Collection method: clinical testing. Allele origin: germline.

CeGaT Center for Human Genetics Tuebingen
Classification: Likely benign. Last evaluated: 2025-04-01. Review status: criteria provided, single submitter. Criteria: CeGaT Center For Human Genetics Tuebingen Variant Classification Criteria Version 2. Collection method: clinical testing. Allele origin: germline. Affected: yes. Observed: 1 variant allele.
Comment: RFXAP: BP4, BP7

Blueprint Genetics
Classification: Likely benign. Last evaluated: 2024-04-15. Review status: criteria provided, single submitter. Criteria: ACMG Guidelines, 2015. Collection method: clinical testing. Allele origin: germline.